The following is an entry in ClinVar:

ClinVar aggregate classification (germline): Uncertain significance (1 of 4 stars; one submission).

gnomAD v4.1: 9 of 1,200,838 alleles (0.00075%); highest among the groups gnomAD compares: Non-Finnish European, 0.0009%; no homozygotes.

Submission:

Women's Health and Genetics/Laboratory Corporation of America, LabCorp
Classification: Uncertain significance. Last evaluated: 2025-03-06. Review status: criteria provided, single submitter. Criteria: LabCorp Variant Classification Summary - May 2015. Collection method: clinical testing. Allele origin: germline.
Comment: Variant summary: PHF8 c.1735A>G (p.Lys579Glu) results in a conservative amino acid change in the encoded protein sequence. Five of five in-silico tools predict a benign effect of the variant on protein function. The variant was absent in 180483 control chromosomes (gnomAD). The available data on variant occurrences in the general population are insufficient to allow any conclusion about variant significance. To our knowledge, no occurrence of c.1735A>G in individuals affected with X-Linked Intellectual Disability Syndrome, Siderius Type and no experimental evidence demonstrating its impact on protein function have been reported. No submitters have cited clinical-significance assessments for this variant to ClinVar. Based on the evidence outlined above, the variant was classified as uncertain significance.

NM_015107.3(PHF8):c.1735A>G (p.Lys579Glu)

Gene: PHF8 (PHD finger protein 8; minus strand). Cytogenetic location: Xp11.22.
Variant type: single nucleotide variant.
Coding change: c.1735A>G on transcript NM_015107.3 (MANE Select); coding-DNA position 1735, A replaced by G.
Protein change: p.Lys579Glu; replaces lysine 579 with glutamic acid.
Molecular consequence: missense variant.
Genome position (GRCh38, 1-based): chrX:53,987,940, T>C on the plus strand (A>G on the coding strand, the complement: PHF8 is on the minus strand). VCF-style: chrX-53987940-T-C. GRCh37 (hg19) VCF-style: chrX-54014373-T-C.
Other names: c.1843A>G, p.Lys615Glu (NM_001184896.1); c.1432A>G, p.Lys478Glu (NM_001184897.2); c.1735A>G, p.Lys579Glu (NM_001184898.2); short protein forms K478E, K579E, K615E.
Identifiers: ClinVar variation 3895792 (VCV003895792.1).